The following is an entry in ClinVar:

ClinVar aggregate classification (germline): Uncertain significance (1 of 4 stars; one submission).

gnomAD v4.1: 27 of 1,603,914 alleles (0.0017%); highest among the groups gnomAD compares: South Asian, 0.028%; 1 homozygote.

Submission:

Labcorp Genetics (formerly Invitae), Labcorp
Classification: Uncertain significance. Last evaluated: 2024-05-28. Review status: criteria provided, single submitter. Criteria: Invitae Variant Classification Sherloc (09022015). Collection method: clinical testing. Allele origin: germline.
Comment: This sequence change replaces arginine, which is basic and polar, with threonine, which is neutral and polar, at codon 647 of the TRAP1 protein (p.Arg647Thr). This variant also falls at the last nucleotide of exon 16, which is part of the consensus splice site for this exon. This variant is present in population databases (rs750463851, gnomAD 0.03%). This variant has not been reported in the literature in individuals affected with TRAP1-related conditions. An algorithm developed to predict the effect of missense changes on protein structure and function (PolyPhen-2) suggests that this variant is likely to be tolerated. Variants that disrupt the consensus splice site are a relatively common cause of aberrant splicing (PMID: 17576681, 9536098). Algorithms developed to predict the effect of sequence changes on RNA splicing suggest that this variant may disrupt the consensus splice site. In summary, the available evidence is currently insufficient to determine the role of this variant in disease. Therefore, it has been classified as a Variant of Uncertain Significance.

Literature cited by the submitters: PubMed 17576681; PubMed 9536098.

NM_016292.3(TRAP1):c.1940G>C (p.Arg647Thr)

Genes: DNASE1 (deoxyribonuclease 1; plus strand), TRAP1 (TNF receptor associated protein 1; minus strand). Cytogenetic location: 16p13.3.
Variant type: single nucleotide variant.
Coding change: c.1940G>C on transcript NM_016292.3 (MANE Select); coding-DNA position 1940, G replaced by C.
Protein change: p.Arg647Thr; replaces arginine 647 with threonine.
Molecular consequence: missense variant. On other transcripts: intron variant (1).
Genome position (GRCh38, 1-based): chr16:3,661,987, C>G on the plus strand (G>C on the coding strand, the complement: TRAP1 is on the minus strand). VCF-style: chr16-3661987-C-G. GRCh37 (hg19) VCF-style: chr16-3711988-C-G.
Other names: c.1781G>C, p.Arg594Thr (NM_001272049.2); c.*22-659C>G (NM_001387140.1); short protein forms R594T, R647T.
Identifiers: ClinVar variation 3700622 (VCV003700622.2).